The following is an entry in ClinVar:

ClinVar aggregate classification (germline): Conflicting classifications of pathogenicity. Review status: criteria provided, conflicting classifications (1 of 4 stars). 9 submissions from 8 submitters: Uncertain significance (8); Likely benign (1). Last evaluated 2026-03-17.

Conditions:
Hereditary cancer-predisposing syndrome. Also called: Tumor predisposition; Hereditary neoplastic syndrome; Neoplastic Syndromes, Hereditary; Hereditary Cancer Syndrome. Identifiers: Orphanet 140162, MedGen C0027672, MeSH D009386, MONDO:0015356.
Classic or attenuated familial adenomatous polyposis. Identifiers: MedGen CN372698, MONDO:0021057.
Desmoid disease, hereditary (DESMD). Also called: FIBROMATOSIS, FAMILIAL INFILTRATIVE. Identifiers: Orphanet 873, MedGen C1851124, OMIM 135290. Disease mechanism: loss of function.
Familial adenomatous polyposis 1 (FAP1). Also called: POLYPOSIS, ADENOMATOUS INTESTINAL; FAMILIAL ADENOMATOUS POLYPOSIS 1, ATTENUATED. Identifiers: MedGen C2713442, MONDO:0021056, OMIM 175100. Disease mechanism: loss of function.

Allele frequency attached by ClinVar (database versions not stated): gnomAD exomes 0.00002; TOPMed 0.00002; ExAC 0.00001; gnomAD 0.00002.
gnomAD v4.1: 35 of 1,614,046 alleles (0.0022%); highest among the groups gnomAD compares: Non-Finnish European, 0.0025%; no homozygotes.

Submissions (9):

Ambry Genetics
Classification: Likely benign for Hereditary cancer-predisposing syndrome. Last evaluated: 2026-03-17. Review status: criteria provided, single submitter. Criteria: Ambry Variant Classification Scheme 2023. Collection method: clinical testing. Allele origin: germline.

Labcorp Genetics (formerly Invitae), Labcorp
Classification: Uncertain significance for Familial adenomatous polyposis 1. Last evaluated: 2025-11-05. Review status: criteria provided, single submitter. Criteria: Invitae Variant Classification Sherloc (09022015). Collection method: clinical testing. Allele origin: germline.
Comment: This sequence change replaces glutamine, which is neutral and polar, with arginine, which is basic and polar, at codon 1230 of the APC protein (p.Gln1230Arg). This variant is present in population databases (rs764706774, gnomAD 0.003%). This variant has not been reported in the literature in individuals affected with APC-related conditions. ClinVar contains an entry for this variant (Variation ID: 469934). Invitae Evidence Modeling of protein sequence and biophysical properties (such as structural, functional, and spatial information, amino acid conservation, physicochemical variation, residue mobility, and thermodynamic stability) indicates that this missense variant is not expected to disrupt APC protein function with a negative predictive value of 95%. In summary, the available evidence is currently insufficient to determine the role of this variant in disease. Therefore, it has been classified as a Variant of Uncertain Significance.

GeneDx
Classification: Uncertain significance. Last evaluated: 2024-05-28. Review status: criteria provided, single submitter. Criteria: GeneDx Variant Classification Process June 2021. Collection method: clinical testing. Allele origin: germline. Affected: yes.
Comment: Not observed at significant frequency in large population cohorts (gnomAD); In silico analysis indicates that this missense variant does not alter protein structure/function; This variant is associated with the following publications: (PMID: 25186627, 29684080)

Baylor Genetics
Classification: Uncertain significance for Familial adenomatous polyposis 1. Last evaluated: 2024-03-04. Review status: criteria provided, single submitter. Criteria: ACMG Guidelines, 2015. Collection method: clinical testing. Allele origin: unknown.

All of Us Research Program, National Institutes of Health
Classification: Uncertain significance for Classic or attenuated familial adenomatous polyposis. Last evaluated: 2023-12-13. Review status: criteria provided, single submitter. Criteria: ACMG Guidelines, 2015. Collection method: clinical testing. Allele origin: germline. Inheritance: Autosomal dominant inheritance. Observed: 8 variant alleles, 8 heterozygotes.
Comment: This missense variant replaces glutamine with arginine at codon 1230 of the APC protein. Computational prediction is inconclusive regarding the impact of this variant on protein structure and function (internally defined REVEL score threshold 0.5 < inconclusive < 0.7, PMID: 27666373). To our knowledge, functional studies have not been reported for this variant. This variant has been reported in an individual affected with breast cancer (PMID: 29684080). This variant has been identified in 4/249958 chromosomes in the general population by the Genome Aggregation Database (gnomAD). The available evidence is insufficient to determine the role of this variant in disease conclusively. Therefore, this variant is classified as a Variant of Uncertain Significance.

This study involves interpretation of variants in research participants for the purpose of population health screening. Participant phenotype was not available at the time of variant classification. Additional details can be found in publication PMID: 35346344, PMCID: PMC8962531

Color Diagnostics, LLC DBA Color Health
Classification: Uncertain significance for Hereditary cancer-predisposing syndrome. Last evaluated: 2023-10-25. Review status: criteria provided, single submitter. Criteria: ACMG Guidelines, 2015. Collection method: clinical testing. Allele origin: germline.
Comment: This missense variant replaces glutamine with arginine at codon 1230 of the APC protein. Computational prediction is inconclusive regarding the impact of this variant on protein structure and function (internally defined REVEL score threshold 0.5 < inconclusive < 0.7, PMID: 27666373). To our knowledge, functional studies have not been reported for this variant. This variant has been reported in an individual affected with breast cancer (PMID: 29684080). This variant has been identified in 4/249958 chromosomes in the general population by the Genome Aggregation Database (gnomAD). The available evidence is insufficient to determine the role of this variant in disease conclusively. Therefore, this variant is classified as a Variant of Uncertain Significance.

Quest Diagnostics Nichols Institute San Juan Capistrano
Classification: Uncertain significance. Last evaluated: 2023-01-11. Review status: criteria provided, single submitter. Criteria: Quest Diagnostics criteria. Collection method: clinical testing. Allele origin: unknown.
Comment: The frequency of this variant in the general population, 0.000027 (3/112548 chromosomes), is uninformative in assessment of its pathogenicity. In the published literature, the variant has been reported in an individual with breast cancer (PMID: 25186627 (2018)). Analysis of this variant using bioinformatics tools for the prediction of the effect of amino acid changes on protein structure and function yielded predictions that this variant is benign. Based on the available information, we are unable to determine the clinical significance of this variant.

Genetic Services Laboratory, University of Chicago
Classification: Uncertain significance. Last evaluated: 2019-12-23. Review status: criteria provided, single submitter. Criteria: ACMG Guidelines, 2015. Collection method: clinical testing. Allele origin: germline. Affected: no.
Comment: DNA sequence analysis of the APC gene demonstrated a sequence change, c.3689A>G, in exon 16 that results in an amino acid change, p.Gln1230Arg. This sequence change does not appear to have been previously described in patients with APC-related disorders and has been described in the gnomAD database with a low population frequency of 0.0016% (dbSNP rs764706774). The p.Gln1230Arg change affects a highly conserved amino acid residue located in a domain of the APC protein that is not known to be functional. In-silico pathogenicity prediction tools (SIFT, PolyPhen2, Align GVGD, REVEL) provide contradictory results for the p.Gln1230Arg substitution. Due to these contrasting evidences and the lack of functional studies, the clinical significance of the p.Gln1230Arg change remains unknown at this time.

Baylor Genetics
Classification: Uncertain significance for Desmoid disease, hereditary. Last evaluated: 2019-03-13. Review status: criteria provided, single submitter. Criteria: ACMG Guidelines, 2015. Collection method: clinical testing. Allele origin: paternal. Affected: yes.
Comment: This variant was determined to be of uncertain significance according to ACMG Guidelines, 2015 [PMID:25741868].

Literature cited by the submitters: PubMed 29684080 (cited by 4 submitters); PubMed 25186627 (cited by Quest Diagnostics Nichols Institute San Juan Capistrano).

NM_000038.6(APC):c.3689A>G (p.Gln1230Arg)

Gene: APC (APC regulator of Wnt signaling pathway; plus strand). Cytogenetic location: 5q22.2.
Variant type: single nucleotide variant.
Coding change: c.3689A>G on transcript NM_000038.6 (MANE Select); coding-DNA position 3689, A replaced by G.
Protein change: p.Gln1230Arg; replaces glutamine 1230 with arginine.
Molecular consequence: missense variant.
Genome position (GRCh38, 1-based): chr5:112,839,283, A>G. VCF-style: chr5-112839283-A-G. GRCh37 (hg19) VCF-style: chr5-112174980-A-G.
Other names: c.3689A>G, p.Gln1230Arg (NM_001127510.3, NM_001354895.2); c.3635A>G, p.Gln1212Arg (NM_001127511.3); c.3743A>G, p.Gln1248Arg (NM_001354896.2); c.3719A>G, p.Gln1240Arg (NM_001354897.2); c.3614A>G, p.Gln1205Arg (NM_001354898.2); c.3605A>G, p.Gln1202Arg (NM_001354899.2); c.3566A>G, p.Gln1189Arg (NM_001354900.2); c.3512A>G, p.Gln1171Arg (NM_001354901.2); and 5 more; short protein forms Q1212R, Q1230R, Q1205R, Q1070R, Q1129R, Q1189R, Q1240R, Q1139R.
Identifiers: ClinVar variation 469934 (VCV000469934.33), dbSNP rs764706774, ClinGen allele CA036253.